The following is an entry in ClinVar:

ClinVar aggregate classification (germline): Benign/Likely benign. Review status: criteria provided, multiple submitters, no conflicts (2 of 4 stars). 3 submissions from 3 submitters: Benign (1); Likely benign (2). Last evaluated 2024-10-29.

Conditions:
Charcot-Marie-Tooth disease. Also called: Charcot-Marie-Tooth Neuropathy; Charcot-Marie-Tooth Hereditary Neuropathy. Identifiers: Orphanet 166, MedGen C0007959, MONDO:0015626.

Allele frequency attached by ClinVar (database versions not stated): gnomAD exomes 0.00025 and 0.00065; ExAC 0.00077; ESP Exome Variant Server 0.00223; gnomAD 0.00273 and 0.00292; TOPMed 0.00298; 1000 Genomes Project 0.00339; 1000 Genomes Project 30x 0.00344.
gnomAD v4.1: 795 of 1,613,514 alleles (0.049%); highest among the groups gnomAD compares: African/African-American, 0.94%; 1 homozygote.

Submissions (3):

Blueprint Genetics
Classification: Likely benign. Last evaluated: 2024-10-29. Review status: criteria provided, single submitter. Criteria: ACMG Guidelines, 2015. Collection method: clinical testing. Allele origin: germline.

GeneDx
Classification: Benign. Last evaluated: 2015-09-21. Review status: criteria provided, single submitter. Criteria: GeneDx Variant Classification (06012015). Collection method: clinical testing. Allele origin: germline. Affected: yes.
Comment: This variant is considered likely benign or benign based on one or more of the following criteria: it is a conservative change, it occurs at a poorly conserved position in the protein, it is predicted to be benign by multiple in silico algorithms, and/or has population frequency not consistent with disease.

Molecular Genetics Laboratory, London Health Sciences Centre
Classification: Likely benign for Charcot-Marie-Tooth disease. Review status: criteria provided, single submitter. Criteria: ACMG Guidelines, 2015. Collection method: clinical testing. Allele origin: germline. Affected: yes.

NM_014874.4(MFN2):c.*15G>A

Gene: MFN2 (mitofusin 2; plus strand). Cytogenetic location: 1p36.22.
Variant type: single nucleotide variant.
Coding change: c.*15G>A on transcript NM_014874.4 (MANE Select); 15 bases downstream of the stop codon, G replaced by A.
Molecular consequence: 3 prime UTR variant.
Genome position (GRCh38, 1-based): chr1:12,011,580, G>A. VCF-style: chr1-12011580-G-A. GRCh37 (hg19) VCF-style: chr1-12071637-G-A.
Other names: c.*15G>A (NM_001127660.2).
Identifiers: ClinVar variation 378136 (VCV000378136.3), dbSNP rs141339523, ClinGen allele CA599390.